The following is an entry in ClinVar:

NM_004371.4(COPA):c.2754+52G>A

Gene: COPA (COPI coat complex subunit alpha; minus strand). Cytogenetic location: 1q23.2.
Variant type: single nucleotide variant.
Coding change: c.2754+52G>A on transcript NM_004371.4 (MANE Select); 52 bases into the intron after coding-DNA position 2754, G replaced by A.
Molecular consequence: intron variant.
Genome position (GRCh38, 1-based): chr1:160,293,334, C>T on the plus strand (G>A on the coding strand, the complement: COPA is on the minus strand). VCF-style: chr1-160293334-C-T. GRCh37 (hg19) VCF-style: chr1-160263124-C-T.
Other names: c.2781+52G>A (NM_001098398.2).
Identifiers: ClinVar variation 2628117 (VCV002628117.2), dbSNP rs1317944, ClinGen allele CA10688754.
Genomic context (GRCh38, chr1:160,293,334, plus strand): 5'-GTCCCTTCTCTATTCTCCTCTGTAACTATAGTAGAAAAGTAGCCAACACCTGTTATATAC[C>T]AATCAAGTATTAGCCACTCATCCCTGCCGTGCTAGGTTTCTTCCCGCTTACCTGAGTTGG-3'

ClinVar aggregate classification (germline): Benign (1 of 4 stars; one submission).

Allele frequency attached by ClinVar (database versions not stated): gnomAD exomes 0.57057; gnomAD 0.64347; ESP Exome Variant Server 0.64466; TOPMed 0.65355; 1000 Genomes Project 0.66913; 1000 Genomes Project 30x 0.67864.
gnomAD v4.1: 928,987 of 1,607,822 alleles (58%); highest among the groups gnomAD compares: African/African-American, 87%; 273,786 homozygotes.

Submission:

Unidad de Genómica Garrahan, Hospital de Pediatría Garrahan
Classification: Benign. Last evaluated: 2023-11-12. Review status: criteria provided, single submitter. Criteria: ACMG Guidelines, 2015. Collection method: clinical testing. Allele origin: germline. Affected: no. Observed: 73 variant alleles.
Comment: This variant is classified as Benign based on local population frequency. This variant was detected in 76% of patients studied by a panel of primary immunodeficiencies. Number of patients: 73. Only high quality variants are reported.